The following is an entry in ClinVar:

ClinVar aggregate classification (germline): Conflicting classifications of pathogenicity. Review status: criteria provided, conflicting classifications (1 of 4 stars). 22 submissions from 22 submitters: Uncertain significance (2); Benign (3); Likely benign (10). 7 of the submissions do not count toward it. Last evaluated 2026-05-01.

Conditions:
Hypertrophic cardiomyopathy. Also called: HYPERTROPHIC MYOCARDIOPATHY. Identifiers: Orphanet 217569, MedGen C0007194, MeSH D002312, MONDO:0005045, HP:0001639.
Sudden unexplained death. Identifiers: MedGen C0520806.
Cardiovascular phenotype. Identifiers: MedGen CN230736.
CSRP3-related disorder. Also called: CSRP3-related disorders; CSRP3-related condition.
Dilated cardiomyopathy 1M (CMD1M). Identifiers: Orphanet 154, MedGen C1843808, MONDO:0011840, OMIM 607482.
Hypertrophic cardiomyopathy 12. Identifiers: MedGen C2677491, MONDO:0012804, OMIM 612124.
Cardiomyopathy (CMYO). Also called: Cardiomyopathies. Identifiers: Orphanet 167848, MedGen C0878544, MONDO:0004994, HP:0001638. Inheritance: Various modes of inheritance.
Primary dilated cardiomyopathy (DCM). Also called: Dilated Cardiomyopathy. Identifiers: Orphanet 217604, MedGen C0007193, MeSH D002311, MONDO:0005021, HP:0001644. Inheritance: Various modes of inheritance.

Allele frequency attached by ClinVar (database versions not stated): 1000 Genomes Project 30x 0.00172; 1000 Genomes Project 0.00180; gnomAD exomes 0.00222 and 0.00409; ExAC 0.00237; gnomAD 0.00250 and 0.00271; TOPMed 0.00284.
gnomAD v4.1: 6,297 of 1,613,994 alleles (0.39%); highest among the groups gnomAD compares: Non-Finnish European, 0.5%; 17 homozygotes.

Submissions (22):

CeGaT Center for Human Genetics Tuebingen
Classification: Likely benign. Last evaluated: 2026-05-01. Review status: criteria provided, single submitter. Criteria: CeGaT Center For Human Genetics Tuebingen Variant Classification Criteria Version 2. Collection method: clinical testing. Allele origin: germline. Affected: yes. Observed: 3 variant alleles.
Comment: CSRP3: BS2

Labcorp Genetics (formerly Invitae), Labcorp
Classification: Benign for Hypertrophic cardiomyopathy 12; Dilated cardiomyopathy 1M. Last evaluated: 2026-02-03. Review status: criteria provided, single submitter. Criteria: Invitae Variant Classification Sherloc (09022015). Collection method: clinical testing. Allele origin: germline.

Molecular Diagnostic Laboratory for Inherited Cardiovascular Disease, Montreal Heart Institute
Classification: Likely benign. Last evaluated: 2025-04-08. Review status: criteria provided, single submitter. Criteria: ACMG Guidelines, 2015. Collection method: clinical testing. Allele origin: germline. Affected: no.
Comment: BS1;BP6

ARUP Laboratories, Molecular Genetics and Genomics, ARUP Laboratories
Classification: Likely benign. Last evaluated: 2025-03-05. Review status: criteria provided, single submitter. Criteria: ARUP Molecular Germline Variant Investigation Process 2024. Collection method: clinical testing. Allele origin: germline.

Mayo Clinic Laboratories, Mayo Clinic
Classification: Likely benign. Last evaluated: 2025-03-05. Review status: criteria provided, single submitter. Criteria: ACMG Guidelines, 2015. Collection method: clinical testing. Allele origin: germline. Observed: 7 variant alleles.
Comment: BS1, BS2

Blueprint Genetics
Classification: Likely benign. Last evaluated: 2024-11-27. Review status: criteria provided, single submitter. Criteria: ACMG Guidelines, 2015. Collection method: clinical testing. Allele origin: germline.

Molecular Genetics, Royal Melbourne Hospital
Classification: Likely benign for Hypertrophic cardiomyopathy. Last evaluated: 2023-06-06. Review status: criteria provided, single submitter. Criteria: ACMG Guidelines, 2015. Collection method: clinical testing. Allele origin: germline. Inheritance: Autosomal dominant inheritance.

Laboratory for Molecular Medicine, Mass General Brigham Personalized Medicine
Classification: Benign. Last evaluated: 2019-04-08. Review status: criteria provided, single submitter. Criteria: LMM Criteria. Collection method: clinical testing. Allele origin: germline. Observed: 38 variant alleles.
Comment: proposed classification - variant undergoing re-assessment, contact laboratory

Women's Health and Genetics/Laboratory Corporation of America, LabCorp
Classification: Likely benign. Last evaluated: 2019-02-11. Review status: criteria provided, single submitter. Criteria: LabCorp Variant Classification Summary - May 2015. Collection method: clinical testing. Allele origin: germline.
Comment: Variant summary: The variant, CSRP3 c.10T>C (p.Trp4Arg) results in a non-conservative amino acid change in the encoded protein sequence. Four of five in-silico tools predict a damaging effect of the variant on protein function. The variant allele was found at a frequency of 0.0022 in 280268 control chromosomes, predominantly at a frequency of 0.0042 within the Non-Finnish European subpopulation in the gnomAD database, including 1 homozygote. The observed variant frequency within Non-Finnish European control individuals in the gnomAD database is approximately 170 fold of the estimated maximal expected allele frequency for a pathogenic variant in CSRP3 causing Cardiomyopathy phenotype (2.5e-05), strongly suggesting that the variant is a benign polymorphism found primarily in populations of Non-Finnish European origin. In conflict with the population data, in vitro and in vivo functional studies showed that p.W4R completely disrupted T-cap binding, and a mouse model expressing p.W4R showed age- and gene dosage-dependent hypertrophic cardiomyopathy and heart failure phenotype (Knoll 2002, Knoll 2010). However, no human studies are available to date to confirm an effect in humans. Though this variant has been reported in the literature in several patients with either Hypertrophic- or Dilated Cardiomyopathy, it was also found in several controls, with a negative family history of heart disease (Geier 2008, Newman 2005). Moreover, the variant has been shown not to co-segregate with disease in multiple families (Geier 2008, Mohaptra 2003). Additionally, the variant has been reported to co-occur with multiple pathogenic/potentially pathogenic variants, including MYBPC3 F1113I, MYH7 T1377M, MYH7 I511T, MYBPC3 Q1233X and TNNT2 K210del (Bos 2006, Geier 2008, Mohaptra 2003), and it was noted that there was no correlation between the presence of the W4R variant and the severity / progression of the disease (Geier 2008). Six other clinical diagnostic laboratories have submitted clinical-significance assessments for this variant to ClinVar after 2014 without evidence for independent evaluation and classified the variant as benign (1x), likely benign (4x) or VUS (1x). Given the strong population and segregation studies data, this variant is likely not a disease-causing mutation in isolation, but functional studies indicate that it affects function and could act as a phenotypic modifier in cardiomyopathies. Taken together, this variant was classified as likely benign, until additional information is available.

Agnes Ginges Centre for Molecular Cardiology, Centenary Institute
Classification: Likely benign for hypertrophic cardiomyopathy; sudden unexplained death. Last evaluated: 2018-10-10. Review status: criteria provided, single submitter. Criteria: ACMG Guidelines, 2015. Collection method: research. Allele origin: germline. Inheritance: Autosomal dominant inheritance. Affected: yes.
Comment: This variant has been identified as part of our research program. Refer to the 'condition' field for the phenotype of the proband(s) identified with this variant. For further information please feel free to contact us.

Ambry Genetics
Classification: Likely benign for Cardiovascular phenotype. Last evaluated: 2018-08-30. Review status: criteria provided, single submitter. Criteria: Ambry Variant Classification Scheme 2023. Collection method: clinical testing. Allele origin: germline.

GeneDx
Classification: Likely benign. Last evaluated: 2017-10-30. Review status: criteria provided, single submitter. Criteria: GeneDx Variant Classification (06012015). Collection method: clinical testing. Allele origin: germline. Affected: yes.
Comment: This variant is considered likely benign or benign based on one or more of the following criteria: it is a conservative change, it occurs at a poorly conserved position in the protein, it is predicted to be benign by multiple in silico algorithms, and/or has population frequency not consistent with disease.

CHEO Genetics Diagnostic Laboratory, Children's Hospital of Eastern Ontario
Classification: Uncertain significance for Cardiomyopathy. Last evaluated: 2017-09-29. Review status: criteria provided, single submitter. Criteria: ACMG Guidelines, 2015. Collection method: clinical testing. Allele origin: germline. Study: Canadian Open Genetics Repository.

Biesecker Lab/Clinical Genomics Section, National Institutes of Health
Classification: Benign for Cardiomyopathy, dilated. Last evaluated: 2013-06-24. Review status: criteria provided, single submitter. Criteria: Ng et al. (Circ Cardiovasc Genet. 2013). Collection method: research. Allele origin: unknown. Observed: 7 variant alleles. Study: ClinSeq.
Comment: The study set was not selected for affection status in relation to any cancer. Pathogenicity categories were based on literature curation. See Pubmed ID:23861362 for details.

Medical sequencing

Laboratory of Genetics and Molecular Cardiology, University of São Paulo
Classification: Uncertain significance for Hypertrophic cardiomyopathy 12. Review status: criteria provided, single submitter. Criteria: LGCM Criteria August 2015. Collection method: clinical testing. Allele origin: germline. Affected: yes. Observed: 1 variant allele. Study: Sarcomeric Human Cardiomyopathy Registry (ShaRe).

PreventionGenetics, part of Exact Sciences
Classification: Likely benign for CSRP3-related condition. Last evaluated: 2019-09-30. Review status: no assertion criteria provided. Collection method: clinical testing. Allele origin: germline. Not counted in ClinVar's aggregate classification.
Comment: This variant is classified as likely benign based on ACMG/AMP sequence variant interpretation guidelines (Richards et al. 2015 PMID: 25741868, with internal and published modifications).

OMIM
Classification: Uncertain significance for RECLASSIFIED - VARIANT OF UNKNOWN SIGNIFICANCE. Last evaluated: 2008-09-15. Review status: no assertion criteria provided. Collection method: literature only. Allele origin: germline. Not counted in ClinVar's aggregate classification.

Clinical Genetics, Academic Medical Center
Classification: Benign. Review status: no assertion criteria provided. Collection method: clinical testing. Allele origin: germline. Affected: yes. Study: VKGL Data-share Consensus. Not counted in ClinVar's aggregate classification.

Diagnostic Laboratory, Department of Genetics, University Medical Center Groningen
Classification: Likely benign. Review status: no assertion criteria provided. Collection method: clinical testing. Allele origin: germline. Affected: yes. Study: VKGL Data-share Consensus. Not counted in ClinVar's aggregate classification.

Genome Diagnostics Laboratory, University Medical Center Utrecht
Classification: Likely benign. Review status: no assertion criteria provided. Collection method: clinical testing. Allele origin: germline. Affected: yes. Study: VKGL Data-share Consensus. Not counted in ClinVar's aggregate classification.

Joint Genome Diagnostic Labs from Nijmegen and Maastricht, Radboudumc and MUMC+
Classification: Likely benign. Review status: no assertion criteria provided. Collection method: clinical testing. Allele origin: germline. Affected: yes. Study: VKGL Data-share Consensus. Not counted in ClinVar's aggregate classification.

Zaffran Lab, Genetics of Cardiac Diseases Laboratory, Marseille Medical Genetics
Classification: Uncertain significance for hypertrophic cardiomyopathy. Review status: no assertion criteria provided. Collection method: research. Allele origin: unknown. Affected: yes. Not counted in ClinVar's aggregate classification.

Literature cited by the submitters: PubMed 12507422 (cited by 4 submitters); PubMed 14567970 (cited by 3 submitters); PubMed 15781201 (cited by 5 submitters); PubMed 16352453 (cited by 5 submitters); PubMed 17084280 (cited by Mayo Clinic Laboratories, Mayo Clinic and Laboratory for Molecular Medicine, Mass General Brigham Personalized Medicine); PubMed 18505755 (cited by 6 submitters); PubMed 20044516 (cited by 4 submitters); PubMed 20474083 (cited by Mayo Clinic Laboratories, Mayo Clinic and Laboratory for Molecular Medicine, Mass General Brigham Personalized Medicine); PubMed 23299917 (cited by Mayo Clinic Laboratories, Mayo Clinic); PubMed 25145518 (cited by Mayo Clinic Laboratories, Mayo Clinic); PubMed 26656175 (cited by Mayo Clinic Laboratories, Mayo Clinic and Ambry Genetics); PubMed 9039266 (cited by Laboratory for Molecular Medicine, Mass General Brigham Personalized Medicine); PubMed 23396983 (cited by Ambry Genetics).

NM_003476.5(CSRP3):c.10T>C (p.Trp4Arg)

Gene: CSRP3 (cysteine and glycine rich protein 3; minus strand). Cytogenetic location: 11p15.1.
Variant type: single nucleotide variant.
Coding change: c.10T>C on transcript NM_003476.5 (MANE Select); coding-DNA position 10, T replaced by C.
Protein change: p.Trp4Arg; replaces tryptophan 4 with arginine.
Molecular consequence: missense variant.
Genome position (GRCh38, 1-based): chr11:19,192,439, A>G on the plus strand (T>C on the coding strand, the complement: CSRP3 is on the minus strand). VCF-style: chr11-19192439-A-G. GRCh37 (hg19) VCF-style: chr11-19213986-A-G.
Other names: p.W4R:TGG>CGG; c.10T>C, p.Trp4Arg (NM_001369404.1); short protein forms W4R.
Identifiers: ClinVar variation 8776 (VCV000008776.86), dbSNP rs45550635, ClinGen allele CA175609.
Genomic context (GRCh38, chr11:19,192,439, plus strand): 5'-GGATTTCTTCTGCATGGTAGACGGTCTTTTCACAGGCTCCACATTTTGCGCCTCCGCCCC[A>G]GTTTGGCATCTTGAAGACTATCTGGTCAAGGTCAAGTCTAAGGGGACATAAAGCAAATAC-3'
Protein context (NP_003467.1, residues 1-14): MPN[Trp4Arg]GGGAKCGACE